The following is an entry in ClinVar:

ClinVar aggregate classification (germline): Likely benign (1 of 4 stars; one submission).

Allele frequency attached by ClinVar (database versions not stated): 1000 Genomes Project 30x 0.00109; 1000 Genomes Project 0.00120; ESP Exome Variant Server 0.00145; TOPMed 0.00191; gnomAD 0.00196; gnomAD exomes 0.00226; ExAC 0.00561.
gnomAD v4.1: 3,516 of 1,551,334 alleles (0.23%); highest among the groups gnomAD compares: Middle Eastern, 1.8%; 21 homozygotes.

Submission:

CeGaT Center for Human Genetics Tuebingen
Classification: Likely benign. Last evaluated: 2023-03-01. Review status: criteria provided, single submitter. Criteria: CeGaT Center For Human Genetics Tuebingen Variant Classification Criteria Version 2. Collection method: clinical testing. Allele origin: germline. Affected: yes. Observed: 1 variant allele.
Comment: ATOSB: BS2

NM_025182.4(ATOSB):c.11T>A (p.Val4Glu)

Gene: ATOSB (atos homolog B; minus strand). Cytogenetic location: 9p13.3.
Variant type: single nucleotide variant.
Coding change: c.11T>A on transcript NM_025182.4 (MANE Select); coding-DNA position 11, T replaced by A.
Protein change: p.Val4Glu; replaces valine 4 with glutamic acid.
Molecular consequence: missense variant. On other transcripts: non-coding transcript variant (1).
Genome position (GRCh38, 1-based): chr9:35,108,264, A>T on the plus strand (T>A on the coding strand, the complement: ATOSB is on the minus strand). VCF-style: chr9-35108264-A-T. GRCh37 (hg19) VCF-style: chr9-35108261-A-T.
Other names: c.11T>A, p.Val4Glu (NM_001317991.2); short protein forms V4E.
Identifiers: ClinVar variation 2659171 (VCV002659171.24), dbSNP rs200443215, ClinGen allele CA5041829.